The following is an entry in ClinVar:

NC_000016.10:g.(89770635_89771677)_(89784965_89791402)del

Gene: FANCA (FA complementation group A; minus strand). Cytogenetic location: 16q24.3.
Variant type: Deletion.
Identifiers: ClinVar variation 974118 (VCV000974118.1).

ClinVar aggregate classification (germline): Pathogenic (0 of 4 stars; one submission).

Conditions:
Fanconi anemia complementation group A (FANCA). Also called: Fanconi anemia, group A; FANCA-Related Fanconi Anemia. Identifiers: Orphanet 84, MedGen C3469521, MONDO:0009215, OMIM 227650.

Submission:

Leiden Open Variation Database
Classification: Pathogenic for Fanconi anemia complementation group A. Last evaluated: 2020-02-28. Review status: no assertion criteria provided. Collection method: curation. Allele origin: germline. Affected: yes.
Comment: Curator: Arleen D. Auerbach. Submitter to LOVD: Johan de Winter.

Literature cited by the submitters: PubMed 17924555.